The following is an entry in ClinVar:

ClinVar aggregate classification (germline): Benign. Review status: criteria provided, multiple submitters, no conflicts (2 of 4 stars). 4 submissions from 4 submitters: Benign (4). Last evaluated 2024-01-24.

Conditions:
Hennekam lymphangiectasia-lymphedema syndrome 1 (HKLLS1). Also called: LYMPHATIC DYSPLASIA, GENERALIZED. Identifiers: Orphanet 2136, MedGen C4012050, MONDO:0009337, OMIM 235510.

Allele frequency attached by ClinVar (database versions not stated): 1000 Genomes Project 0.69429; 1000 Genomes Project 30x 0.69222; TOPMed 0.66653.
gnomAD v4.1: 1,099,061 of 1,599,810 alleles (69%); highest among the groups gnomAD compares: South Asian, 78%; 378,446 homozygotes.

Submissions (4):

Unidad de Genómica Garrahan, Hospital de Pediatría Garrahan
Classification: Benign. Last evaluated: 2024-01-24. Review status: criteria provided, single submitter. Criteria: ACMG Guidelines, 2015. Collection method: clinical testing. Allele origin: germline. Affected: no. Observed: 86 variant alleles.
Comment: This variant is classified as Benign based on local population frequency. This variant was detected in 91% of patients studied by a panel of primary immunodeficiencies. Number of patients: 86. Only high quality variants are reported.

Genome-Nilou Lab
Classification: Benign for Hennekam lymphangiectasia-lymphedema syndrome 1. Last evaluated: 2021-07-14. Review status: criteria provided, single submitter. Criteria: ACMG Guidelines, 2015. Collection method: clinical testing. Allele origin: germline. Affected: no.

GeneDx
Classification: Benign. Last evaluated: 2018-11-10. Review status: criteria provided, single submitter. Criteria: GeneDx Variant Classification Process June 2021. Collection method: clinical testing. Allele origin: germline. Affected: yes.

Breakthrough Genomics
Classification: Benign. Review status: criteria provided, single submitter. Criteria: ACMG Guidelines, 2015. Collection method: not provided. Allele origin: germline. Inheritance: Autosomal recessive inheritance. Affected: yes.

NM_133459.4(CCBE1):c.775+82A>G

Gene: CCBE1 (collagen and calcium binding EGF domains 1; minus strand). Cytogenetic location: 18q21.32.
Variant type: single nucleotide variant.
Coding change: c.775+82A>G on transcript NM_133459.4 (MANE Select); 82 bases into the intron after coding-DNA position 775, A replaced by G.
Molecular consequence: intron variant.
Genome position (GRCh38, 1-based): chr18:59,447,901, T>C on the plus strand (A>G on the coding strand, the complement: CCBE1 is on the minus strand). VCF-style: chr18-59447901-T-C. GRCh37 (hg19) VCF-style: chr18-57115133-T-C.
Identifiers: ClinVar variation 1192624 (VCV001192624.6), dbSNP rs3809990, ClinGen allele CA14575750.